The following is an entry in ClinVar:

NM_006514.4(SCN10A):c.4596G>T (p.Gln1532His)

Gene: SCN10A (sodium voltage-gated channel alpha subunit 10; minus strand). Cytogenetic location: 3p22.2.
Variant type: single nucleotide variant.
Coding change: c.4596G>T on transcript NM_006514.4 (MANE Select); coding-DNA position 4596, G replaced by T.
Protein change: p.Gln1532His; replaces glutamine 1532 with histidine.
Molecular consequence: missense variant.
Genome position (GRCh38, 1-based): chr3:38,701,900, C>A on the plus strand (G>T on the coding strand, the complement: SCN10A is on the minus strand). VCF-style: chr3-38701900-C-A. GRCh37 (hg19) VCF-style: chr3-38743391-C-A.
Other names: c.4593G>T, p.Gln1531His (NM_001293306.2); c.4302G>T, p.Gln1434His (NM_001293307.2); short protein forms Q1434H, Q1531H, Q1532H.
Identifiers: ClinVar variation 3764120 (VCV003764120.1).
Genomic context (GRCh38, chr3:38,701,900, plus strand): 5'-CGCAATGGAGAGAACCACCACAATGAAGTCAAACACATTCCAGCCATTTGTGAAGTAGTA[C>A]TGCCTCAAAGCGAACATCTTCATGACACATTCGCCTGTGAAGACGGCCACAAAGAACTGG-3'
Protein context (NP_006505.4, residues 1522-1542): ECVMKMFALR[Gln1532His]YYFTNGWNVF

ClinVar aggregate classification (germline): Uncertain significance (1 of 4 stars; one submission).

Submission:

GeneDx
Classification: Uncertain significance. Last evaluated: 2024-08-22. Review status: criteria provided, single submitter. Criteria: GeneDx Variant Classification Process June 2021. Collection method: clinical testing. Allele origin: germline. Affected: yes.
Comment: Not observed at significant frequency in large population cohorts (gnomAD); In silico analysis indicates that this missense variant does not alter protein structure/function; Has not been previously published as pathogenic or benign to our knowledge